The following is an entry in ClinVar:

ClinVar aggregate classification (germline): Pathogenic/Likely pathogenic. Review status: criteria provided, multiple submitters, no conflicts (2 of 4 stars). 7 submissions from 7 submitters: Pathogenic (1); Likely pathogenic (4). 2 of the submissions do not count toward it. Last evaluated 2026-07-06.

Conditions:
Cardiac arrhythmia. Also called: Arrhythmia; Cardiac rhythm disease. Identifiers: MedGen C0003811, MONDO:0007263, HP:0011675.
KCNQ1-related disorder. Also called: KCNQ1-related condition; KCNQ1-related disorders. Identifiers: MedGen CN239322.
Familial long QT syndrome (RWS). Also called: Congenital long QT syndrome; Romano-Ward syndrome; VENTRICULAR FIBRILLATION WITH PROLONGED QT INTERVAL. Identifiers: Orphanet 768, MedGen C1141890, MONDO:0019171.
Long QT syndrome (LQTS). Identifiers: MedGen C0023976, MeSH D008133, MONDO:0002442. Disease mechanism: loss of function. Inheritance: Various modes of inheritance.
Long QT syndrome 1 (LQT1). Identifiers: Orphanet 101016, Orphanet 768, MedGen C4551647, MONDO:0100316, OMIM 192500, MONDO:0008646.

Allele frequency attached by ClinVar (database versions not stated): TOPMed below 0.00001; gnomAD exomes below 0.00001 and 0.00001.
gnomAD v4.1: 10 of 1,613,728 alleles (0.00062%); highest among the groups gnomAD compares: African/African-American, 0.0027%; no homozygotes.

Submissions (7):

PreventionGenetics, part of Exact Sciences
Classification: Likely pathogenic for KCNQ1-related condition. Last evaluated: 2026-07-06. Review status: criteria provided, single submitter. Criteria: ACMG Guidelines, 2015. Collection method: clinical testing. Allele origin: germline.
Comment: The KCNQ1 c.1771C>T variant is predicted to result in the amino acid substitution p.Arg591Cys. This variant has been reported in multiple individuals with long QT syndrome (Moss et al. 2007. PubMed ID: 17470695; Obeyesekere et al. 2012. PubMed ID: 22429796; Andrsova et al. 2012. PubMed ID: 22727609; Giudicessi et al. 2012. PubMed ID: 22949429; Cuneo et al. 2020. PubMed ID: 31520628). In a functional assay this variant resulted in significantly lower current conduction when compared to wild type (Rinné et al. 2023. PubMed ID: 36674868). Alternative substitutions affecting the same amino acid (p.Arg591His and p.Arg591Leu) have also been reported in individuals with long QT syndrome (Neyroud et al. 1999. PubMed ID: 10024302; Crotti et al. 2012. PubMed ID: 23158531). This variant is reported in 0.0054% of alleles in individuals of East Asian descent in gnomAD. This variant is interpreted as likely pathogenic.

Labcorp Genetics (formerly Invitae), Labcorp
Classification: Pathogenic for Long QT syndrome. Last evaluated: 2025-09-24. Review status: criteria provided, single submitter. Criteria: Invitae Variant Classification Sherloc (09022015). Collection method: clinical testing. Allele origin: germline.
Comment: This sequence change replaces arginine, which is basic and polar, with cysteine, which is neutral and slightly polar, at codon 591 of the KCNQ1 protein (p.Arg591Cys). This variant is present in population databases (rs199473483, gnomAD 0.006%). This missense change has been observed in individuals with long QT syndrome (PMID: 17470695, 19716085, 22429796, 22727609, 22949429). ClinVar contains an entry for this variant (Variation ID: 53016). Invitae Evidence Modeling of protein sequence and biophysical properties (such as structural, functional, and spatial information, amino acid conservation, physicochemical variation, residue mobility, and thermodynamic stability) indicates that this missense variant is expected to disrupt KCNQ1 protein function with a positive predictive value of 95%. This variant disrupts the p.Arg591 amino acid residue in KCNQ1. Other variant(s) that disrupt this residue have been determined to be pathogenic (PMID: 10024302, 16253915, 19261104, 21482651, 22949429). This suggests that this residue is clinically significant, and that variants that disrupt this residue are likely to be disease-causing. For these reasons, this variant has been classified as Pathogenic.

All of Us Research Program, National Institutes of Health
Classification: Likely pathogenic for Long QT syndrome. Last evaluated: 2024-08-01. Review status: criteria provided, single submitter. Criteria: ACMG Guidelines, 2015. Collection method: clinical testing. Allele origin: germline. Inheritance: Autosomal dominant inheritance. Observed: 2 variant alleles, 2 heterozygotes.
Comment: This missense variant replaces arginine with cysteine at codon 591 of the KCNQ1 protein. Computational prediction suggests that this variant may have deleterious impact on protein structure and function (internally defined REVEL score threshold >= 0.7, PMID: 27666373). This variant is found within a highly conserved region at C-terminus (a.a. 509-575). Rare non-truncating variants in this region have been shown to be significantly overrepresented in individuals with long QT syndrome (PMID: 32893267). A functional study using Xenopus oocytes has shown that this variant causes a significant decrease in current amplitudes compared to wildtype KCNQ1 channels (PMID: 36674868). This variant has been reported in at least 7 unrelated individuals affected with long QT syndrome (PMID: 22429796, 22727609, 26318259, 31520628, 36674868), in a few individuals suspected of having long QT syndrome (PMID:19716085, 23631430, 26743238), and in several individuals affected with sudden death (PMID: 17470695). This variant has been identified in 1/251012 chromosomes in the general population by the Genome Aggregation Database (gnomAD). A different variant occurring at the same codon, Arg591His, is known to be pathogenic (ClinVar variation ID 53017), indicating that arginine at this position is important for KCNQ1 protein function. Based on the available evidence, this variant is classified as Likely Pathogenic.

This study involves interpretation of variants in research participants for the purpose of population health screening. Participant phenotype was not available at the time of variant classification. Additional details can be found in publication PMID: 35346344, PMCID: PMC8962531

Color Diagnostics, LLC DBA Color Health
Classification: Likely pathogenic for Cardiac arrhythmia. Last evaluated: 2024-04-23. Review status: criteria provided, single submitter. Criteria: ACMG Guidelines, 2015. Collection method: clinical testing. Allele origin: germline.
Comment: This missense variant replaces arginine with cysteine at codon 591 of the KCNQ1 protein. This variant is found within a highly conserved region at C-terminus (a.a. 509-575). Rare non-truncating variants in this region have been shown to be significantly overrepresented in individuals with long QT syndrome (PMID: 32893267). A functional study using Xenopus oocytes has shown that this variant causes a significant decrease in current amplitudes compared to wildtype KCNQ1 channels (PMID: 36674868). This variant has been reported in at least 7 unrelated individuals affected with long QT syndrome (PMID: 22429796, 22727609, 26318259, 31520628, 36674868), in a few individuals suspected of having long QT syndrome (PMID:19716085, 23631430, 26743238), and in several individuals affected with sudden death (PMID: 17470695). This variant has been identified in 1/251012 chromosomes in the general population by the Genome Aggregation Database (gnomAD). A different variant occurring at the same codon, Arg591His, is known to be pathogenic (ClinVar variation ID 53017), indicating that arginine at this position is important for KCNQ1 protein function. Based on the available evidence, this variant is classified as Likely Pathogenic.

Juno Genomics, Hangzhou Juno Genomics, Inc
Classification: Likely pathogenic for Long QT syndrome 1. Review status: criteria provided, single submitter. Criteria: ACMG Guidelines, 2015. Collection method: clinical testing. Allele origin: germline.
Comment: Novel missense change at an amino acid residue where a different missense change determined to be pathogenic has been seen before.;Multiple lines of computational evidence support a deleterious effect on the gene or gene product.;Multiple lines of computational evidence support a deleterious effect on the gene or gene product.;Well-established in vitro or in vivo functional studies supportive of a damaging effect on the gene or gene product.;The prevalence of the variant in affected individuals is significantly increased compared to the prevalence in controls.

Cardiovascular Biomedical Research Unit, Royal Brompton & Harefield NHS Foundation Trust
No classification provided. Condition: Familial long QT syndrome. Review status: no classification provided. Collection method: literature only. Allele origin: germline. Not counted in ClinVar's aggregate classification.
Comment: This variant has been reported as associated with Long QT syndrome in the following publications (PMID:17470695;PMID:19716085;PMID:19841300;PMID:22429796). This is a literature report, and does not necessarily reflect the clinical interpretation of the Imperial College / Royal Brompton Cardiovascular Genetics laboratory.

AiLife Diagnostics
Classification: Uncertain significance. Last evaluated: 2020-06-15. Review status: flagged submission. Criteria: ACMG Guidelines, 2015. Collection method: clinical testing. Allele origin: germline. Affected: yes. Observed: 1 variant allele. Not counted in ClinVar's aggregate classification.
ClinVar note: Reason: Older and outlier claim with insufficient supporting evidence

Literature cited by the submitters: PubMed 17470695 (cited by 5 submitters); PubMed 19716085 (cited by 4 submitters); PubMed 22429796 (cited by 5 submitters); PubMed 22727609 (cited by 3 submitters); PubMed 22949429 (cited by Labcorp Genetics (formerly Invitae), Labcorp and AiLife Diagnostics); PubMed 10024302 (cited by Labcorp Genetics (formerly Invitae), Labcorp); PubMed 16253915 (cited by Labcorp Genetics (formerly Invitae), Labcorp); PubMed 19261104 (cited by Labcorp Genetics (formerly Invitae), Labcorp); PubMed 21482651 (cited by Labcorp Genetics (formerly Invitae), Labcorp); PubMed 23631430 (cited by All of Us Research Program, National Institutes of Health and Color Diagnostics, LLC DBA Color Health); PubMed 26318259 (cited by All of Us Research Program, National Institutes of Health and Color Diagnostics, LLC DBA Color Health); PubMed 26743238 (cited by All of Us Research Program, National Institutes of Health and Color Diagnostics, LLC DBA Color Health); PubMed 31520628 (cited by All of Us Research Program, National Institutes of Health and Color Diagnostics, LLC DBA Color Health); PubMed 32893267 (cited by All of Us Research Program, National Institutes of Health and Color Diagnostics, LLC DBA Color Health); PubMed 36674868 (cited by All of Us Research Program, National Institutes of Health and Color Diagnostics, LLC DBA Color Health); PubMed 19841300 (cited by Cardiovascular Biomedical Research Unit, Royal Brompton & Harefield NHS Foundation Trust); PubMed 22581653 (cited by Cardiovascular Biomedical Research Unit, Royal Brompton & Harefield NHS Foundation Trust).

NM_000218.3(KCNQ1):c.1771C>T (p.Arg591Cys)

Gene: KCNQ1 (potassium voltage-gated channel subfamily Q member 1; plus strand). Cytogenetic location: 11p15.5.
Variant type: single nucleotide variant.
Coding change: c.1771C>T on transcript NM_000218.3 (MANE Select); coding-DNA position 1771, C replaced by T.
Protein change: p.Arg591Cys; replaces arginine 591 with cysteine.
Molecular consequence: missense variant.
Genome position (GRCh38, 1-based): chr11:2,778,014, C>T. VCF-style: chr11-2778014-C-T. GRCh37 (hg19) VCF-style: chr11-2799244-C-T.
Other names: c.1771C>T (LRG_287t1); c.1675C>T, p.Arg559Cys (NM_001406836.1); c.1501C>T, p.Arg501Cys (NM_001406837.1); c.1231C>T, p.Arg411Cys (NM_001406838.1); c.283C>T, p.Arg95Cys (NM_001406839.1); c.1390C>T, p.Arg464Cys (NM_181798.2); short protein forms R591C, R464C, R95C, R411C, R501C, R559C.
Identifiers: ClinVar variation 53016 (VCV000053016.21), dbSNP rs199473483, ClinGen allele CA006360.